The following is an entry in ClinVar:

NM_006904.7(PRKDC):c.2882T>C (p.Leu961Pro)

Gene: PRKDC (protein kinase, DNA-activated, catalytic subunit; minus strand). Cytogenetic location: 8q11.21.
Variant type: single nucleotide variant.
Coding change: c.2882T>C on transcript NM_006904.7 (MANE Select); coding-DNA position 2882, T replaced by C.
Protein change: p.Leu961Pro; replaces leucine 961 with proline.
Molecular consequence: missense variant.
Genome position (GRCh38, 1-based): chr8:47,912,462, A>G on the plus strand (T>C on the coding strand, the complement: PRKDC is on the minus strand). VCF-style: chr8-47912462-A-G. GRCh37 (hg19) VCF-style: chr8-48825022-A-G.
Other names: c.2882T>C, p.Leu961Pro (NM_001081640.2); short protein forms L961P.
Identifiers: ClinVar variation 1402968 (VCV001402968.6), dbSNP rs779126829, ClinGen allele CA4741344.
Genomic context (GRCh38, chr8:47,912,462, plus strand): 5'-GCCCTTACCTGATCAACATCACACGCAAGTCGAAGCAGCACAGGAAACGTCCGCTTATAG[A>G]GCTGGTACATGGGTGGGGCTCCCTGTCCCCCTTCTGGCATCTGCGTGGCTTTGCCCAACA-3'
Protein context (NP_008835.5, residues 951-971): GGQGAPPMYQ[Leu961Pro]YKRTFPVLLR

ClinVar aggregate classification (germline): Uncertain significance (1 of 4 stars; one submission).

Conditions:
Severe combined immunodeficiency due to DNA-PKcs deficiency. Also called: IMMUNODEFICIENCY 26 WITH NEUROLOGIC ABNORMALITIES; Immunodeficiency 26 with or without neurologic abnormalities. Identifiers: Orphanet 317425, MedGen C4014833, MONDO:0014423, OMIM 615966.

Allele frequency attached by ClinVar (database versions not stated): gnomAD exomes below 0.00001 and 0.00001; ExAC 0.00001; TOPMed 0.00001.

Submission:

Labcorp Genetics (formerly Invitae), Labcorp
Classification: Uncertain significance for Severe combined immunodeficiency due to DNA-PKcs deficiency. Last evaluated: 2022-08-10. Review status: criteria provided, single submitter. Criteria: Invitae Variant Classification Sherloc (09022015). Collection method: clinical testing. Allele origin: germline.
Comment: In summary, the available evidence is currently insufficient to determine the role of this variant in disease. Therefore, it has been classified as a Variant of Uncertain Significance. Experimental studies and prediction algorithms are not available or were not evaluated, and the functional significance of this variant is currently unknown. ClinVar contains an entry for this variant (Variation ID: 1402968). This variant has not been reported in the literature in individuals affected with PRKDC-related conditions. This variant is present in population databases (rs779126829, gnomAD 0.0009%). This sequence change replaces leucine, which is neutral and non-polar, with proline, which is neutral and non-polar, at codon 961 of the PRKDC protein (p.Leu961Pro).